The following is an entry in ClinVar:

ClinVar aggregate classification (germline): Uncertain significance (1 of 4 stars; one submission).

Conditions:
Lissencephaly 9 with complex brainstem malformation. Identifiers: Orphanet 572013, MedGen C5193029, MONDO:0032677, OMIM 618325.

Submission:

Dasa
Classification: Uncertain significance for Lissencephaly 9 with complex brainstem malformation. Last evaluated: 2025-08-19. Review status: criteria provided, single submitter. Criteria: DASA Assertion Criteria. Collection method: clinical testing. Allele origin: germline.
Comment: NM_001394062.1(MACF1):c.6693_6696del (p.Lys2232Hisfs*22) is a frameshift variant in MACF1 predicted to alter the reading frame and introduce a premature termination codon. This variant is absent from population databases. The currently available literature and clinical evidence are not sufficient to establish a definitive association between this variant and the reported condition. Therefore, this variant is classified as a variant of uncertain significance.

NM_001394062.1(MACF1):c.6693_6696del (p.Lys2232fs)

Gene: MACF1 (microtubule actin crosslinking factor 1; plus strand). Cytogenetic location: 1p34.3.
Variant type: Deletion.
Coding change: c.6693_6696del on transcript NM_001394062.1 (MANE Select); coding-DNA positions 6693 to 6696, 4 bases deleted (GAAA; older notation c.6693_6696delGAAA).
Protein change: p.Lys2232fs; shifts the reading frame from lysine 2232.
Molecular consequence: frameshift variant. On other transcripts: intron variant (1).
Genome position (GRCh38, 1-based): chr1:39,333,281-39,333,284, GAAA deleted; deleting any 4 consecutive bases within chr1:39,333,278-39,333,284 gives the same sequence; the c. name uses the placement nearest the transcript's 3' end. VCF-style (leftmost placement, unchanged base first): chr1-39333277-TAAAG-T. GRCh37 (hg19) VCF-style: chr1-39798949-TAAAG-T.
Other names: c.4629+5928_4629+5931del (NM_012090.5); short protein forms K2232fs.
Identifiers: ClinVar variation 4884065 (VCV004884065.2).